The following is an entry in ClinVar:

ClinVar aggregate classification (germline): Benign/Likely benign. Review status: criteria provided, multiple submitters, no conflicts (2 of 4 stars). 17 submissions from 17 submitters: Benign (7); Likely benign (8). 2 of the submissions do not count toward it. Last evaluated 2026-02-03.

Conditions:
Ovarian cancer. Also called: OVARIAN CANCER, SOMATIC. Identifiers: Orphanet 213500, MedGen C1140680, MONDO:0008170, OMIM 167000.
Fanconi anemia complementation group J. Also called: BRIP1-Related Fanconi Anemia. Identifiers: Orphanet 84, MedGen C1836860, MONDO:0012187, OMIM 609054.
Familial cancer of breast. Also called: Hereditary breast cancer; hereditary breast carcinoma; BREAST CANCER, FAMILIAL. Identifiers: Orphanet 227535, MedGen C0346153, MONDO:0016419, OMIM 114480. Disease mechanism: loss of function.
Hereditary cancer-predisposing syndrome. Also called: Tumor predisposition; Hereditary neoplastic syndrome; Hereditary Cancer Syndrome; Neoplastic Syndromes, Hereditary. Identifiers: Orphanet 140162, MedGen C0027672, MeSH D009386, MONDO:0015356.
Hereditary breast ovarian cancer syndrome. Also called: Hereditary breast and ovarian cancer; Hereditary breast and/or ovarian cancer syndrome; BRCA1- and BRCA2-Associated Hereditary Breast and Ovarian Cancer; Hereditary breast and ovarian cancer syndrome (HBOC); Hereditary breast and ovarian cancer syndrome; Breast and ovarian cancer. Identifiers: Orphanet 145, MedGen C0677776, MeSH D061325, MONDO:0003582. Disease mechanism: loss of function.

Allele frequency attached by ClinVar (database versions not stated): gnomAD exomes 0.00012 and 0.00034; ExAC 0.00044; 1000 Genomes Project 0.00140; 1000 Genomes Project 30x 0.00141; gnomAD 0.00145 and 0.00153; TOPMed 0.00172; ESP Exome Variant Server 0.00208.
gnomAD v4.1: 442 of 1,614,102 alleles (0.027%); highest among the groups gnomAD compares: African/African-American, 0.5%; 2 homozygotes.

Submissions (17):

Labcorp Genetics (formerly Invitae), Labcorp
Classification: Benign for Familial cancer of breast; Fanconi anemia complementation group J. Last evaluated: 2026-02-03. Review status: criteria provided, single submitter. Criteria: Invitae Variant Classification Sherloc (09022015). Collection method: clinical testing. Allele origin: germline.

ARUP Laboratories, Molecular Genetics and Genomics, ARUP Laboratories
Classification: Benign. Last evaluated: 2025-03-27. Review status: criteria provided, single submitter. Criteria: ARUP Molecular Germline Variant Investigation Process 2024. Collection method: clinical testing. Allele origin: germline.

Blueprint Genetics
Classification: Likely benign. Last evaluated: 2024-11-28. Review status: criteria provided, single submitter. Criteria: ACMG Guidelines, 2015. Collection method: clinical testing. Allele origin: germline.

CeGaT Center for Human Genetics Tuebingen
Classification: Likely benign. Last evaluated: 2024-11-01. Review status: criteria provided, single submitter. Criteria: CeGaT Center For Human Genetics Tuebingen Variant Classification Criteria Version 2. Collection method: clinical testing. Allele origin: germline. Affected: yes. Observed: 1 variant allele.
Comment: BRIP1: BP4, BP7

Department of Pathology and Laboratory Medicine, Sinai Health System
Classification: Likely benign for Familial cancer of breast. Last evaluated: 2024-02-27. Review status: criteria provided, single submitter. Criteria: ACMG Guidelines, 2015. Collection method: clinical testing. Allele origin: germline. Affected: yes.

Myriad Genetics, Inc.
Classification: Benign for Familial cancer of breast. Last evaluated: 2023-03-01. Review status: criteria provided, single submitter. Criteria: Myriad Autosomal Dominant, Autosomal Recessive and X-Linked Classification Criteria (2023). Collection method: clinical testing. Allele origin: unknown.
Comment: This variant is considered benign. This variant is a silent/synonymous amino acid change and it is not expected to impact splicing.

Quest Diagnostics Nichols Institute San Juan Capistrano
Classification: Benign. Last evaluated: 2022-08-16. Review status: criteria provided, single submitter. Criteria: Quest Diagnostics criteria. Collection method: clinical testing. Allele origin: unknown.

National Health Laboratory Service, Universitas Academic Hospital and University of the Free State
Classification: Benign for Hereditary breast ovarian cancer syndrome. Last evaluated: 2022-04-19. Review status: criteria provided, single submitter. Criteria: ACMG Guidelines, 2015. Collection method: clinical testing. Allele origin: germline. Affected: yes. Observed: 29 variant alleles.

Genetic Services Laboratory, University of Chicago
Classification: Likely benign. Last evaluated: 2022-01-04. Review status: criteria provided, single submitter. Criteria: ACMG Guidelines, 2015. Collection method: clinical testing. Allele origin: germline. Affected: no.

Sema4
Classification: Benign for Hereditary cancer-predisposing syndrome. Last evaluated: 2021-03-24. Review status: criteria provided, single submitter. Criteria: Sema4 Curation Guidelines. Collection method: curation. Allele origin: germline.

Eurofins Ntd Llc (ga)
Classification: Likely benign. Last evaluated: 2018-06-19. Review status: criteria provided, single submitter. Criteria: EGL ClinVar v180209 classification definitions. Collection method: clinical testing. Allele origin: germline. Observed: 1 variant allele, 1 heterozygote.

Color Diagnostics, LLC DBA Color Health
Classification: Likely benign for Hereditary cancer-predisposing syndrome. Last evaluated: 2015-04-22. Review status: criteria provided, single submitter. Criteria: ACMG Guidelines, 2015. Collection method: clinical testing. Allele origin: germline.

Ambry Genetics
Classification: Likely benign for Hereditary cancer-predisposing syndrome. Last evaluated: 2014-09-05. Review status: criteria provided, single submitter. Criteria: Ambry Variant Classification Scheme 2023. Collection method: clinical testing. Allele origin: germline.

GeneDx
Classification: Benign. Last evaluated: 2014-06-10. Review status: criteria provided, single submitter. Criteria: GeneDx Variant Classification (06012015). Collection method: clinical testing. Allele origin: germline. Affected: yes.
Comment: This variant is considered likely benign or benign based on one or more of the following criteria: it is a conservative change, it occurs at a poorly conserved position in the protein, it is predicted to be benign by multiple in silico algorithms, and/or has population frequency not consistent with disease.

Breakthrough Genomics
Classification: Likely benign. Review status: criteria provided, single submitter. Criteria: ACMG Guidelines, 2015. Collection method: not provided. Allele origin: germline. Inheritance: Autosomal dominant inheritance. Affected: yes.

True Health Diagnostics
Classification: Likely benign for Hereditary cancer-predisposing syndrome. Last evaluated: 2017-10-25. Review status: no assertion criteria provided. Collection method: clinical testing. Allele origin: germline. Not counted in ClinVar's aggregate classification.

Counsyl
Classification: Likely benign for Fanconi anemia complementation group J; Ovarian cancer. Last evaluated: 2017-01-11. Review status: no assertion criteria provided. Collection method: clinical testing. Allele origin: unknown. Not counted in ClinVar's aggregate classification.

NM_032043.3(BRIP1):c.2061G>C (p.Val687=)

Gene: BRIP1 (BRCA1 interacting DNA helicase 1; minus strand). Cytogenetic location: 17q23.2.
Variant type: single nucleotide variant.
Coding change: c.2061G>C on transcript NM_032043.3 (MANE Select); coding-DNA position 2061, G replaced by C.
Protein change: p.Val687=; no amino-acid change (valine 687 retained).
Molecular consequence: synonymous variant.
Genome position (GRCh38, 1-based): chr17:61,776,437, C>G on the plus strand (G>C on the coding strand, the complement: BRIP1 is on the minus strand). VCF-style: chr17-61776437-C-G. GRCh37 (hg19) VCF-style: chr17-59853798-C-G.
Other names: p.V687V:GTG>GTC; NP_114432.2:p.Val687=.
Identifiers: ClinVar variation 136146 (VCV000136146.84), dbSNP rs112414873, ClinGen allele CA298916.